The following is an entry in ClinVar:

NM_004415.4(DSP):c.664C>T (p.Arg222Trp)

Gene: DSP (desmoplakin; plus strand). Cytogenetic location: 6p24.3.
Variant type: single nucleotide variant.
Coding change: c.664C>T on transcript NM_004415.4 (MANE Select); coding-DNA position 664, C replaced by T.
Protein change: p.Arg222Trp; replaces arginine 222 with tryptophan.
Molecular consequence: missense variant.
Genome position (GRCh38, 1-based): chr6:7,562,718, C>T. VCF-style: chr6-7562718-C-T. GRCh37 (hg19) VCF-style: chr6-7562951-C-T.
Other names: c.664C>T (LRG_423t1); c.664C>T, p.Arg222Trp (NM_001008844.3, NM_001319034.2); short protein forms R222W.
Identifiers: ClinVar variation 569733 (VCV000569733.18), dbSNP rs1233981969, ClinGen allele CA362673511.

ClinVar aggregate classification (germline): Conflicting classifications of pathogenicity. Review status: criteria provided, conflicting classifications (1 of 4 stars). 5 submissions from 5 submitters: Uncertain significance (4); Likely benign (1). Last evaluated 2025-05-04.

Conditions:
Arrhythmogenic right ventricular dysplasia 8 (ARVD8). Also called: Arrhythmogenic Right Ventricular Dysplasia/Cardiomyopathy 8; ARRHYTHMOGENIC RIGHT VENTRICULAR DYSPLASIA, FAMILIAL, 8; ARRHYTHMOGENIC RIGHT VENTRICULAR CARDIOMYOPATHY 8. Identifiers: MedGen C1843896, MONDO:0011831, OMIM 607450.
Lethal acantholytic epidermolysis bullosa (EBLA). Identifiers: Orphanet 158687, MedGen C1864826, MONDO:0012323, OMIM 609638.
Arrhythmogenic cardiomyopathy with wooly hair and keratoderma. Also called: Carvajal syndrome; Dilated cardiomyopathy with woolly hair and keratoderma; Arrhythmogenic cardiomyopathy with woolly hair and keratoderma; PALMOPLANTAR KERATODERMA WITH LEFT VENTRICULAR CARDIOMYOPATHY AND WOOLLY HAIR. Identifiers: Orphanet 65282, MedGen C1854063, MONDO:0011581, OMIM 605676.
Woolly hair-skin fragility syndrome (WHSF). Identifiers: Orphanet 293165, MedGen C1843292, MONDO:0957307, OMIM 620415.
Keratosis palmoplantaris striata 2. Also called: KERATODERMA, PALMOPLANTAR, STRIATE FORM II; STRIATE PALMOPLANTAR KERATODERMA II; Keratosis palmoplantaris striata II. Identifiers: MedGen C1852127, MONDO:0013034, OMIM 612908.
Cardiomyopathy, dilated, with wooly hair, keratoderma, and tooth agenesis. Also called: Cardiomyopathy, dilated, with woolly hair, keratoderma, and tooth agenesis; Erythrokeratodermia-cardiomyopathy syndrome. Identifiers: Orphanet 476096, Orphanet 65282, MedGen C4014393, MONDO:0014355, OMIM 615821.
Cardiomyopathy (CMYO). Also called: Cardiomyopathies. Identifiers: Orphanet 167848, MedGen C0878544, MONDO:0004994, HP:0001638. Inheritance: Various modes of inheritance.
Cardiovascular phenotype. Identifiers: MedGen CN230736.

Allele frequency attached by ClinVar (database versions not stated): gnomAD 0.00001; gnomAD exomes 0.00001; TOPMed 0.00001.
gnomAD v4.1: 18 of 1,613,966 alleles (0.0011%); highest among the groups gnomAD compares: South Asian, 0.0088%; no homozygotes.

Submissions (5):

Labcorp Genetics (formerly Invitae), Labcorp
Classification: Likely benign for Arrhythmogenic cardiomyopathy with wooly hair and keratoderma; Arrhythmogenic right ventricular dysplasia 8. Last evaluated: 2025-05-04. Review status: criteria provided, single submitter. Criteria: Invitae Variant Classification Sherloc (09022015). Collection method: clinical testing. Allele origin: germline.

All of Us Research Program, National Institutes of Health
Classification: Uncertain significance for Arrhythmogenic cardiomyopathy with wooly hair and keratoderma. Last evaluated: 2024-05-09. Review status: criteria provided, single submitter. Criteria: ACMG Guidelines, 2015. Collection method: clinical testing. Allele origin: germline. Inheritance: Autosomal dominant inheritance. Observed: 2 variant alleles, 2 heterozygotes.
Comment: This missense variant replaces arginine with tryptophan at codon 222 of the DSP protein. Computational prediction is inconclusive regarding the impact of this variant on protein structure and function (internally defined REVEL score threshold 0.5 < inconclusive < 0.7, PMID: 27666373). To our knowledge, functional studies have not been reported for this variant. This variant has not been reported in individuals affected with cardiovascular disorders in the literature. This variant has been identified in 4/282784 chromosomes in the general population by the Genome Aggregation Database (gnomAD). The available evidence is insufficient to determine the role of this variant in disease conclusively. Therefore, this variant is classified as a Variant of Uncertain Significance.

This study involves interpretation of variants in research participants for the purpose of population health screening. Participant phenotype was not available at the time of variant classification. Additional details can be found in publication PMID: 35346344, PMCID: PMC8962531

Color Diagnostics, LLC DBA Color Health
Classification: Uncertain significance for Cardiomyopathy. Last evaluated: 2024-03-06. Review status: criteria provided, single submitter. Criteria: ACMG Guidelines, 2015. Collection method: clinical testing. Allele origin: germline.
Comment: This missense variant replaces arginine with tryptophan at codon 222 of the DSP protein. Computational prediction is inconclusive regarding the impact of this variant on protein structure and function (internally defined REVEL score threshold 0.5 < inconclusive < 0.7, PMID: 27666373). To our knowledge, functional studies have not been reported for this variant. This variant has not been reported in individuals affected with cardiovascular disorders in the literature. This variant has been identified in 4/282784 chromosomes in the general population by the Genome Aggregation Database (gnomAD). The available evidence is insufficient to determine the role of this variant in disease conclusively. Therefore, this variant is classified as a Variant of Uncertain Significance.

Ambry Genetics
Classification: Uncertain significance for Cardiovascular phenotype. Last evaluated: 2023-02-18. Review status: criteria provided, single submitter. Criteria: Ambry Variant Classification Scheme 2023. Collection method: clinical testing. Allele origin: germline.
Comment: The p.R222W variant (also known as c.664C>T), located in coding exon 5 of the DSP gene, results from a C to T substitution at nucleotide position 664. The arginine at codon 222 is replaced by tryptophan, an amino acid with dissimilar properties. This amino acid position is conserved. In addition, this alteration is predicted to be deleterious by in silico analysis. Since supporting evidence is limited at this time, the clinical significance of this alteration remains unclear.

Fulgent Genetics
Classification: Uncertain significance for Arrhythmogenic cardiomyopathy with wooly hair and keratoderma; Arrhythmogenic right ventricular dysplasia 8; Lethal acantholytic epidermolysis bullosa; Keratosis palmoplantaris striata 2; Cardiomyopathy, dilated, with wooly hair, keratoderma, and tooth agenesis. Last evaluated: 2021-08-04. Review status: criteria provided, single submitter. Criteria: ACMG Guidelines, 2015. Collection method: clinical testing. Allele origin: unknown.